The following is an entry in ClinVar:

ClinVar aggregate classification (germline): Uncertain significance (1 of 4 stars; one submission).

Submission:

Labcorp Genetics (formerly Invitae), Labcorp
Classification: Uncertain significance. Last evaluated: 2024-10-29. Review status: criteria provided, single submitter. Criteria: Invitae Variant Classification Sherloc (09022015). Collection method: clinical testing. Allele origin: germline.
Comment: This sequence change replaces serine, which is neutral and polar, with asparagine, which is neutral and polar, at codon 1847 of the FAT2 protein (p.Ser1847Asn). This variant is not present in population databases (gnomAD no frequency). This variant has not been reported in the literature in individuals affected with FAT2-related conditions. An algorithm developed to predict the effect of missense changes on protein structure and function outputs the following: PolyPhen-2: "Benign". The asparagine amino acid residue is found in multiple mammalian species, which suggests that this missense change does not adversely affect protein function. In summary, the available evidence is currently insufficient to determine the role of this variant in disease. Therefore, it has been classified as a Variant of Uncertain Significance.

NM_001447.3(FAT2):c.5540G>A (p.Ser1847Asn)

Genes: FAT2 (FAT atypical cadherin 2; minus strand), SLC36A1 (solute carrier family 36 member 1; plus strand). Cytogenetic location: 5q33.1.
Variant type: single nucleotide variant.
Coding change: c.5540G>A on transcript NM_001447.3 (MANE Select); coding-DNA position 5540, G replaced by A.
Protein change: p.Ser1847Asn; replaces serine 1847 with asparagine.
Molecular consequence: missense variant.
Genome position (GRCh38, 1-based): chr5:151,545,587, C>T on the plus strand (G>A on the coding strand, the complement: FAT2 is on the minus strand). VCF-style: chr5-151545587-C-T. GRCh37 (hg19) VCF-style: chr5-150925148-C-T.
Other names: short protein forms S1847N.
Identifiers: ClinVar variation 3701699 (VCV003701699.2).